The following is an entry in ClinVar:

ClinVar aggregate classification (germline): Uncertain significance (1 of 4 stars; one submission).

Conditions:
Charcot-Marie-Tooth Neuropathy X. Identifiers: MedGen CN118851.

gnomAD v4.1: 3 of 1,210,195 alleles (0.00025%); highest among the groups gnomAD compares: South Asian, 0.0035%; no homozygotes.

Submission:

Labcorp Genetics (formerly Invitae), Labcorp
Classification: Uncertain significance for Charcot-Marie-Tooth Neuropathy X. Last evaluated: 2025-07-03. Review status: criteria provided, single submitter. Criteria: Invitae Variant Classification Sherloc (09022015). Collection method: clinical testing. Allele origin: germline.
Comment: This sequence change replaces arginine, which is basic and polar, with leucine, which is neutral and non-polar, at codon 224 of the GJB1 protein (p.Arg224Leu). This variant is not present in population databases (gnomAD no frequency). This missense change has been observed in individual(s) with Charcot-Marie-Tooth disease (PMID: 31119804). Invitae Evidence Modeling of protein sequence and biophysical properties (such as structural, functional, and spatial information, amino acid conservation, physicochemical variation, residue mobility, and thermodynamic stability) has been performed for this missense variant. However, the output from this modeling did not meet the statistical confidence thresholds required to predict the impact of this variant on GJB1 protein function. In summary, the available evidence is currently insufficient to determine the role of this variant in disease. Therefore, it has been classified as a Variant of Uncertain Significance.

Literature cited by the submitters: PubMed 31119804.

NM_000166.6(GJB1):c.671G>T (p.Arg224Leu)

Gene: GJB1 (gap junction protein beta 1; plus strand). Cytogenetic location: Xq13.1.
Variant type: single nucleotide variant.
Coding change: c.671G>T on transcript NM_000166.6 (MANE Select); coding-DNA position 671, G replaced by T.
Protein change: p.Arg224Leu; replaces arginine 224 with leucine.
Molecular consequence: missense variant.
Genome position (GRCh38, 1-based): chrX:71,224,378, G>T. VCF-style: chrX-71224378-G-T. GRCh37 (hg19) VCF-style: chrX-70444228-G-T.
Other names: c.671G>T, p.Arg224Leu (NM_001097642.3, NM_001440770.1); short protein forms R224L.
Identifiers: ClinVar variation 4800898 (VCV004800898.1).